The following is an entry in ClinVar:

NM_000059.4(BRCA2):c.2215C>T (p.His739Tyr)

Gene: BRCA2 (BRCA2 DNA repair associated; plus strand). Cytogenetic location: 13q13.1.
Variant type: single nucleotide variant.
Coding change: c.2215C>T on transcript NM_000059.4 (MANE Select); coding-DNA position 2215, C replaced by T.
Protein change: p.His739Tyr; replaces histidine 739 with tyrosine.
Molecular consequence: missense variant.
Genome position (GRCh38, 1-based): chr13:32,336,570, C>T. VCF-style: chr13-32336570-C-T. GRCh37 (hg19) VCF-style: chr13-32910707-C-T.
Other names: short protein forms H739Y.
Identifiers: ClinVar variation 1510072 (VCV001510072.7), dbSNP rs1555282536, ClinGen allele CA387770621.

ClinVar aggregate classification (germline): Conflicting classifications of pathogenicity. Review status: criteria provided, conflicting classifications (1 of 4 stars). 2 submissions from 2 submitters: Uncertain significance (1); Likely benign (1). Last evaluated 2025-05-27.

Conditions:
Hereditary cancer-predisposing syndrome. Also called: Hereditary neoplastic syndrome; Neoplastic Syndromes, Hereditary; Tumor predisposition; Hereditary Cancer Syndrome. Identifiers: Orphanet 140162, MedGen C0027672, MeSH D009386, MONDO:0015356.
Hereditary breast ovarian cancer syndrome. Also called: BRCA1- and BRCA2-Associated Hereditary Breast and Ovarian Cancer; Hereditary breast and ovarian cancer; Hereditary breast and/or ovarian cancer syndrome; Hereditary breast and ovarian cancer syndrome (HBOC); Breast and ovarian cancer; Hereditary breast and ovarian cancer syndrome. Identifiers: Orphanet 145, MedGen C0677776, MeSH D061325, MONDO:0003582. Disease mechanism: loss of function.

Submissions (2):

Labcorp Genetics (formerly Invitae), Labcorp
Classification: Uncertain significance for Hereditary breast ovarian cancer syndrome. Last evaluated: 2025-05-27. Review status: criteria provided, single submitter. Criteria: Invitae Variant Classification Sherloc (09022015). Collection method: clinical testing. Allele origin: germline.
Comment: This sequence change replaces histidine, which is basic and polar, with tyrosine, which is neutral and polar, at codon 739 of the BRCA2 protein (p.His739Tyr). This variant is not present in population databases (gnomAD no frequency). This variant has not been reported in the literature in individuals affected with BRCA2-related conditions. ClinVar contains an entry for this variant (Variation ID: 1510072). Invitae Evidence Modeling of protein sequence and biophysical properties (such as structural, functional, and spatial information, amino acid conservation, physicochemical variation, residue mobility, and thermodynamic stability) indicates that this missense variant is not expected to disrupt BRCA2 protein function with a negative predictive value of 95%. In summary, the available evidence is currently insufficient to determine the role of this variant in disease. Therefore, it has been classified as a Variant of Uncertain Significance.

University of Washington Department of Laboratory Medicine, University of Washington
Classification: Likely benign for Hereditary cancer-predisposing syndrome. Last evaluated: 2023-03-23. Review status: criteria provided, single submitter. Criteria: Dines et al. (Genet Med. 2020). Collection method: curation. Allele origin: germline.
Comment: Missense variant in a coldspot region where missense variants are very unlikely to be pathogenic (PMID:31911673).

BRCA2 exon 11 coldspot. Reclassification based on statistical prior probability.